The following is an entry in ClinVar:

ClinVar aggregate classification (germline): Likely pathogenic (0 of 4 stars; one submission).

Conditions:
Pyloric stenosis, infantile hypertrophic, 5 (IHPS5). Identifiers: MedGen C2675862, MONDO:0012922, OMIM 612525.

Submission:

Human Genetics Research Centre, St George's University of London
Classification: Likely pathogenic for Pyloric stenosis, infantile hypertrophic, 5. Review status: no assertion criteria provided. Collection method: not provided. Allele origin: unknown.
ClinVar note: Converted during submission from probable-pathogenic to Likely pathogenic.

NM_001451.3(FOXF1):c.416G>A (p.Arg139Gln)

Gene: FOXF1 (forkhead box F1; plus strand). Cytogenetic location: 16q24.1.
Variant type: single nucleotide variant.
Coding change: c.416G>A on transcript NM_001451.3 (MANE Select); coding-DNA position 416, G replaced by A.
Protein change: p.Arg139Gln; replaces arginine 139 with glutamine.
Molecular consequence: missense variant.
Genome position (GRCh38, 1-based): chr16:86,510,985, G>A. VCF-style: chr16-86510985-G-A. GRCh37 (hg19) VCF-style: chr16-86544591-G-A.
Other names: short protein forms R139Q.
Identifiers: ClinVar variation 132838 (VCV000132838.2), dbSNP rs672601295, ClinGen allele CA156260.
Genomic context (GRCh38, chr16:86,510,985, plus strand): 5'-GCCACTACTGGACCATCGACCCGGCCAGCGAGTTCATGTTCGAGGAGGGCTCCTTTCGGC[G>A]GCGGCCGCGCGGCTTCCGAAGGAAATGCCAGGCGCTCAAGCCCATGTACAGCATGATGAA-3'
Protein context (NP_001442.2, residues 129-149): EFMFEEGSFR[Arg139Gln]RPRGFRRKCQ